The following is an entry in ClinVar:

ClinVar aggregate classification (germline): Pathogenic (1 of 4 stars; one submission).

Conditions:
Ehlers-Danlos syndrome due to tenascin-X deficiency (EDSCLL1). Also called: EDS DUE TO TNX DEFICIENCY; TNX DEFICIENCY; Ehlers-Danlos syndrome, classic-like, 1; EHLERS-DANLOS SYNDROME, CLASSIC-LIKE; TNXB-Related Classical-Like Ehlers-Danlos Syndrome. Identifiers: Orphanet 230839, MedGen C1848029, MONDO:0011670, OMIM 606408.

Submission:

Myriad Genetics, Inc.
Classification: Pathogenic for Ehlers-Danlos syndrome due to tenascin-X deficiency. Last evaluated: 2025-05-06. Review status: criteria provided, single submitter. Criteria: Myriad Autosomal Dominant, Autosomal Recessive and X-Linked Classification Criteria (2023). Collection method: clinical testing. Allele origin: unknown.
Comment: NM_019105.6(TNXB):c.7116C>G(Y2372*) is expected to be pathogenic in the context of classical-like Ehlers-Danlos syndrome, TNXB-related. This variant is predicted to lead to an abnormal or absent protein product due to the creation of a premature termination codon in TNXB, a gene where loss-of-function variants are known to be pathogenic. Please note: this variant was assessed in the context of healthy population screening.

NM_001365276.2(TNXB):c.7116C>G (p.Tyr2372Ter)

Gene: TNXB (tenascin XB; minus strand). Cytogenetic location: 6p21.33.
Variant type: single nucleotide variant.
Coding change: c.7116C>G on transcript NM_001365276.2 (MANE Select); coding-DNA position 7116, C replaced by G.
Protein change: p.Tyr2372Ter; replaces tyrosine 2372 with a stop codon.
Molecular consequence: nonsense.
Genome position (GRCh38, 1-based): chr6:32,062,209, G>C on the plus strand (C>G on the coding strand, the complement: TNXB is on the minus strand). VCF-style: chr6-32062209-G-C. GRCh37 (hg19) VCF-style: chr6-32029986-G-C.
Other names: c.7857C>G, p.Tyr2619Ter (NM_001428335.1); c.7116C>G, p.Tyr2372Ter (NM_019105.8); short protein forms Y2372*, Y2619*.
Identifiers: ClinVar variation 5014391 (VCV005014391.1).